The following is an entry in ClinVar:

NM_001177693.2(ARHGEF28):c.2167G>C (p.Asp723His)

Gene: ARHGEF28 (Rho guanine nucleotide exchange factor 28; plus strand). Cytogenetic location: 5q13.2.
Variant type: single nucleotide variant.
Coding change: c.2167G>C on transcript NM_001177693.2 (MANE Select); coding-DNA position 2167, G replaced by C.
Protein change: p.Asp723His; replaces aspartic acid 723 with histidine.
Molecular consequence: missense variant.
Genome position (GRCh38, 1-based): chr5:73,867,890, G>C. VCF-style: chr5-73867890-G-C. GRCh37 (hg19) VCF-style: chr5-73163715-G-C.
Other names: c.2167G>C, p.Asp723His (NM_001080479.3, NM_001388078.1); c.1228G>C, p.Asp410His (NM_001244364.2); c.1873G>C, p.Asp625His (NM_001388076.1); short protein forms D410H, D625H, D723H.
Identifiers: ClinVar variation 2631979 (VCV002631979.1), dbSNP rs1164751287, ClinGen allele CA360058064.

ClinVar aggregate classification (germline): Uncertain significance (1 of 4 stars; one submission).

Conditions:
ARHGEF28-related disorder. Also called: ARHGEF28-related condition.

Allele frequency attached by ClinVar (database versions not stated): gnomAD exomes below 0.00001; TOPMed below 0.00001; gnomAD 0.00001.
gnomAD v4.1: 2 of 1,613,850 alleles (0.00012%); highest among the groups gnomAD compares: Non-Finnish European, 0.00017%; no homozygotes.

Submission:

PreventionGenetics, part of Exact Sciences
Classification: Uncertain significance for ARHGEF28-related condition. Last evaluated: 2023-04-07. Review status: criteria provided, single submitter. Criteria: ACMG Guidelines, 2015. Collection method: clinical testing. Allele origin: germline.
Comment: The ARHGEF28 c.2167G>C variant is predicted to result in the amino acid substitution p.Asp723His. To our knowledge, this variant has not been reported in the literature or in a large population database, indicating this variant is rare. At this time, the clinical significance of this variant is uncertain due to the absence of conclusive functional and genetic evidence.